The following is an entry in ClinVar:

NM_017849.4(TMEM127):c.388G>A (p.Ala130Thr)

Gene: TMEM127 (transmembrane protein 127; minus strand). Cytogenetic location: 2q11.2.
Variant type: single nucleotide variant.
Coding change: c.388G>A on transcript NM_017849.4 (MANE Select); coding-DNA position 388, G replaced by A.
Protein change: p.Ala130Thr; replaces alanine 130 with threonine.
Molecular consequence: missense variant.
Genome position (GRCh38, 1-based): chr2:96,254,854, C>T on the plus strand (G>A on the coding strand, the complement: TMEM127 is on the minus strand). VCF-style: chr2-96254854-C-T. GRCh37 (hg19) VCF-style: chr2-96920592-C-T.
Other names: c.388G>A, p.Ala130Thr (NM_001193304.3); c.136G>A, p.Ala46Thr (NM_001407282.1, NM_001407283.1); short protein forms A46T, A130T.
Identifiers: ClinVar variation 3326703 (VCV003326703.2).

ClinVar aggregate classification (germline): Uncertain significance. Review status: criteria provided, multiple submitters, no conflicts (2 of 4 stars). 2 submissions from 2 submitters: Uncertain significance (2). Last evaluated 2025-04-24.

Conditions:
Hereditary pheochromocytoma and paraganglioma. Also called: Hereditary paragangliomas and pheochromocytomas; Hereditary Paraganglioma-Pheochromocytoma Syndromes; Hereditary pheochromocytoma-paraganglioma. Identifiers: Orphanet 29072, MedGen C4274332, MONDO:0017366.
Hereditary cancer-predisposing syndrome. Also called: Neoplastic Syndromes, Hereditary; Tumor predisposition; Hereditary Cancer Syndrome; Hereditary neoplastic syndrome. Identifiers: Orphanet 140162, MedGen C0027672, MeSH D009386, MONDO:0015356.

gnomAD v4.1: 3 of 1,614,158 alleles (0.00019%); highest among the groups gnomAD compares: South Asian, 0.0033%; no homozygotes.

Submissions (2):

Labcorp Genetics (formerly Invitae), Labcorp
Classification: Uncertain significance for Hereditary pheochromocytoma and paraganglioma. Last evaluated: 2025-04-24. Review status: criteria provided, single submitter. Criteria: Invitae Variant Classification Sherloc (09022015). Collection method: clinical testing. Allele origin: germline.
Comment: This sequence change replaces alanine, which is neutral and non-polar, with threonine, which is neutral and polar, at codon 130 of the TMEM127 protein (p.Ala130Thr). This variant is not present in population databases (gnomAD no frequency). This variant has not been reported in the literature in individuals affected with TMEM127-related conditions. ClinVar contains an entry for this variant (Variation ID: 3326703). An algorithm developed to predict the effect of missense changes on protein structure and function (PolyPhen-2) suggests that this variant is likely to be disruptive. In summary, the available evidence is currently insufficient to determine the role of this variant in disease. Therefore, it has been classified as a Variant of Uncertain Significance.

Ambry Genetics
Classification: Uncertain significance for Hereditary cancer-predisposing syndrome. Last evaluated: 2024-05-23. Review status: criteria provided, single submitter. Criteria: Ambry Variant Classification Scheme 2023. Collection method: clinical testing. Allele origin: germline.
Comment: The p.A130T variant (also known as c.388G>A), located in coding exon 2 of the TMEM127 gene, results from a G to A substitution at nucleotide position 388. The alanine at codon 130 is replaced by threonine, an amino acid with similar properties. This amino acid position is highly conserved in available vertebrate species. In addition, this alteration is predicted to be deleterious by in silico analysis. Based on the available evidence, the clinical significance of this variant remains unclear.